The following is an entry in ClinVar:

ClinVar aggregate classification (germline): Uncertain significance (1 of 4 stars; one submission).

Submission:

Labcorp Genetics (formerly Invitae), Labcorp
Classification: Uncertain significance. Last evaluated: 2022-08-09. Review status: criteria provided, single submitter. Criteria: Invitae Variant Classification Sherloc (09022015). Collection method: clinical testing. Allele origin: germline.
Comment: This sequence change replaces arginine, which is basic and polar, with tryptophan, which is neutral and slightly polar, at codon 74 of the SCP2 protein (p.Arg74Trp). In summary, the available evidence is currently insufficient to determine the role of this variant in disease. Therefore, it has been classified as a Variant of Uncertain Significance. Algorithms developed to predict the effect of missense changes on protein structure and function are either unavailable or do not agree on the potential impact of this missense change (SIFT: "Deleterious"; PolyPhen-2: "Probably Damaging"; Align-GVGD: "Class C0"). ClinVar contains an entry for this variant (Variation ID: 1361704). This variant has not been reported in the literature in individuals affected with SCP2-related conditions. This variant is not present in population databases (gnomAD no frequency).

NM_002979.5(SCP2):c.220A>T (p.Arg74Trp)

Gene: SCP2 (sterol carrier protein 2; plus strand). Cytogenetic location: 1p32.3.
Variant type: single nucleotide variant.
Coding change: c.220A>T on transcript NM_002979.5 (MANE Select); coding-DNA position 220, A replaced by T.
Protein change: p.Arg74Trp; replaces arginine 74 with tryptophan.
Molecular consequence: missense variant. On other transcripts: 5 prime UTR variant (1), intron variant (2).
Genome position (GRCh38, 1-based): chr1:52,950,775, A>T. VCF-style: chr1-52950775-A-T. GRCh37 (hg19) VCF-style: chr1-53416447-A-T.
Other names: c.148A>T, p.Arg50Trp (NM_001193599.2); c.-24A>T (NM_001193617.2); c.220A>T, p.Arg74Trp (NM_001330587.2); c.199+2695A>T (NM_001193600.2, NM_001007098.3); short protein forms R50W, R74W.
Identifiers: ClinVar variation 1361704 (VCV001361704.8), dbSNP rs2150125751, ClinGen allele CA340386736.